The following is an entry in ClinVar:

ClinVar aggregate classification (germline): Benign/Likely benign. Review status: criteria provided, multiple submitters, no conflicts (2 of 4 stars). 7 submissions from 6 submitters: Benign (4); Likely benign (3). Last evaluated 2025-12-22.

Conditions:
Otofaciocervical syndrome 1 (OTFCS). Identifiers: MedGen C3714941, MONDO:0024532, OMIM 166780.
Branchiootorenal syndrome 1. Also called: Branchio-Oto-Renal Syndrome 1. Identifiers: Orphanet 107, MedGen C4551702, MONDO:0007236, OMIM 113650.
Branchiootic syndrome 1 (BOS1). Also called: BO SYNDROME 1; BRANCHIOOTIC DYSPLASIA. Identifiers: MedGen C1865143, MONDO:0011258, OMIM 602588.
Melnick-Fraser syndrome (BOR). Also called: Branchiootorenal syndrome; Branchio-oto-renal syndrome; Branchiootorenal Syndrome (BORS). Identifiers: Orphanet 107, MedGen C0265234, MONDO:0007029.

Allele frequency attached by ClinVar (database versions not stated): ESP Exome Variant Server 0.00177; 1000 Genomes Project 0.00220; 1000 Genomes Project 30x 0.00234; gnomAD exomes 0.00043; ExAC 0.00061; TOPMed 0.00164; gnomAD 0.00166 and 0.00176.
gnomAD v4.1: 477 of 1,614,030 alleles (0.03%); highest among the groups gnomAD compares: African/African-American, 0.58%; 1 homozygote.

Submissions (7):

Labcorp Genetics (formerly Invitae), Labcorp
Classification: Benign for Melnick-Fraser syndrome. Last evaluated: 2025-12-22. Review status: criteria provided, single submitter. Criteria: Invitae Variant Classification Sherloc (09022015). Collection method: clinical testing. Allele origin: germline.

Blueprint Genetics
Classification: Likely benign. Last evaluated: 2024-05-02. Review status: criteria provided, single submitter. Criteria: ACMG Guidelines, 2015. Collection method: clinical testing. Allele origin: germline.

Fulgent Genetics
Classification: Likely benign for Branchiootorenal syndrome 1; Otofaciocervical syndrome 1; Branchiootic syndrome 1. Last evaluated: 2022-03-11. Review status: criteria provided, single submitter. Criteria: ACMG Guidelines, 2015. Collection method: clinical testing. Allele origin: unknown.

GeneDx
Classification: Likely benign. Last evaluated: 2021-07-22. Review status: criteria provided, single submitter. Criteria: GeneDx Variant Classification Process June 2021. Collection method: clinical testing. Allele origin: germline. Affected: yes.

Illumina Laboratory Services, Illumina
Classification: Benign for Branchiootic syndrome. Last evaluated: 2018-01-13. Review status: criteria provided, single submitter. Criteria: ICSL Variant Classification Criteria 13 December 2019. Collection method: clinical testing. Allele origin: germline.
Comment: This variant was observed in the ICSL laboratory as part of a predisposition screen in an ostensibly healthy population. It had not been previously curated by ICSL or reported in the Human Gene Mutation Database (HGMD: prior to June 1st, 2018), and was therefore a candidate for classification through an automated scoring system. Utilizing variant allele frequency, disease prevalence and penetrance estimates, and inheritance mode, an automated score was calculated to assess if this variant is too frequent to cause the disease. Based on the score and internal cut-off values, a variant classified as benign is not then subjected to further curation. The score for this variant resulted in a classification of benign for this disease.

Illumina Laboratory Services, Illumina
Classification: Benign for Otofaciocervical syndrome 1. Last evaluated: 2018-01-13. Review status: criteria provided, single submitter. Criteria: ICSL Variant Classification Criteria 13 December 2019. Collection method: clinical testing. Allele origin: germline.
Comment: the same text as in the submission from Illumina Laboratory Services, Illumina above.

Laboratory for Molecular Medicine, Mass General Brigham Personalized Medicine
Classification: Benign. Last evaluated: 2016-11-17. Review status: criteria provided, single submitter. Criteria: LMM Criteria. Collection method: clinical testing. Allele origin: germline. Observed: 2 variant alleles.
Comment: 1200-11C>A in intron 12 of EYA1: This variant is not expected to have clinical s ignificance because it has been identified in 0.7% (70/10406) of African chromos omes by the Exome Aggregation Consortium (ExAC; dbSNP rs181457812).

NM_000503.6(EYA1):c.1200-11C>A

Gene: EYA1 (EYA transcriptional coactivator and phosphatase 1; minus strand). Cytogenetic location: 8q13.3.
Variant type: single nucleotide variant.
Coding change: c.1200-11C>A on transcript NM_000503.6 (MANE Select); 11 bases into the intron before coding-DNA position 1200, C replaced by A.
Molecular consequence: intron variant.
Genome position (GRCh38, 1-based): chr8:71,216,863, G>T on the plus strand (C>A on the coding strand, the complement: EYA1 is on the minus strand). VCF-style: chr8-71216863-G-T. GRCh37 (hg19) VCF-style: chr8-72129098-G-T.
Other names: c.1179-11C>A (NM_001370336.1); c.1287-11C>A (NM_001370333.1); c.1200-11C>A (NM_001370335.1, NM_001370334.1, NM_172058.4); c.1182-11C>A (NM_172059.5, NM_001288574.2); c.834-11C>A (NM_001288575.2).
Identifiers: ClinVar variation 363650 (VCV000363650.19), dbSNP rs181457812, ClinGen allele CA4779523.